The following is an entry in ClinVar:

NM_000732.6(CD3D):c.266A>G (p.His89Arg)

Gene: CD3D (CD3 delta subunit of T-cell receptor complex; minus strand). Cytogenetic location: 11q23.3.
Variant type: single nucleotide variant.
Coding change: c.266A>G on transcript NM_000732.6 (MANE Select); coding-DNA position 266, A replaced by G.
Protein change: p.His89Arg; replaces histidine 89 with arginine.
Molecular consequence: missense variant.
Genome position (GRCh38, 1-based): chr11:118,340,383, T>C on the plus strand (A>G on the coding strand, the complement: CD3D is on the minus strand). VCF-style: chr11-118340383-T-C. GRCh37 (hg19) VCF-style: chr11-118211098-T-C.
Other names: c.266A>G, p.His89Arg (NM_001040651.2); short protein forms H89R.
Identifiers: ClinVar variation 4695852 (VCV004695852.1).

ClinVar aggregate classification (germline): Uncertain significance (1 of 4 stars; one submission).

Conditions:
Immunodeficiency 19 (IMD19). Also called: CD3-DELTA DEFICIENCY; SEVERE COMBINED IMMUNODEFICIENCY, T CELL-NEGATIVE, B CELL-POSITIVE, NK CELL-POSITIVE; SCID, T CELL-NEGATIVE, B CELL-POSITIVE, NK CELL-POSITIVE; IMMUNODEFICIENCY 19, SEVERE COMBINED. Identifiers: MedGen C3810147, MONDO:0014280, OMIM 615617.

gnomAD v4.1: 9 of 1,613,212 alleles (0.00056%); highest among the groups gnomAD compares: South Asian, 0.0055%; no homozygotes.

Submission:

Labcorp Genetics (formerly Invitae), Labcorp
Classification: Uncertain significance for Immunodeficiency 19. Last evaluated: 2025-03-03. Review status: criteria provided, single submitter. Criteria: Invitae Variant Classification Sherloc (09022015). Collection method: clinical testing. Allele origin: germline.
Comment: This sequence change replaces histidine, which is basic and polar, with arginine, which is basic and polar, at codon 89 of the CD3D protein (p.His89Arg). This variant is not present in population databases (gnomAD no frequency). This variant has not been reported in the literature in individuals affected with CD3D-related conditions. An algorithm developed to predict the effect of missense changes on protein structure and function (PolyPhen-2) suggests that this variant is likely to be tolerated. In summary, the available evidence is currently insufficient to determine the role of this variant in disease. Therefore, it has been classified as a Variant of Uncertain Significance.